The following is an entry in ClinVar:

ClinVar aggregate classification (germline): Likely benign (1 of 4 stars; one submission).

Submission:

CeGaT Center for Human Genetics Tuebingen
Classification: Likely benign. Last evaluated: 2023-02-01. Review status: criteria provided, single submitter. Criteria: CeGaT Center For Human Genetics Tuebingen Variant Classification Criteria Version 2. Collection method: clinical testing. Allele origin: germline. Affected: yes. Observed: 1 variant allele.
Comment: DNAH2: PM2:Supporting, BP4, BP7

NM_020877.5(DNAH2):c.8634C>A (p.Leu2878=)

Gene: DNAH2 (dynein axonemal heavy chain 2; plus strand). Cytogenetic location: 17p13.1.
Variant type: single nucleotide variant.
Coding change: c.8634C>A on transcript NM_020877.5 (MANE Select); coding-DNA position 8634, C replaced by A.
Protein change: p.Leu2878=; no amino-acid change (leucine 2878 retained).
Molecular consequence: synonymous variant.
Genome position (GRCh38, 1-based): chr17:7,799,177, C>A. VCF-style: chr17-7799177-C-A. GRCh37 (hg19) VCF-style: chr17-7702495-C-A.
Identifiers: ClinVar variation 2647383 (VCV002647383.24), dbSNP rs2077152520, ClinGen allele CA497741392.